The following is an entry in ClinVar:

NM_001201543.2(FAM161A):c.1215_1216del (p.Cys406fs)

Gene: FAM161A (FAM161 centrosomal protein A; minus strand). Cytogenetic location: 2p15.
Variant type: Deletion.
Coding change: c.1215_1216del on transcript NM_001201543.2 (MANE Select); coding-DNA positions 1215 to 1216, 2 bases deleted (AT; older notation c.1215_1216delAT).
Protein change: p.Cys406fs; shifts the reading frame from cysteine 406.
Molecular consequence: frameshift variant. On other transcripts: non-coding transcript variant (1).
Genome position (GRCh38, 1-based): chr2:61,839,788-61,839,789, AT deleted on the plus strand (AT on the coding strand, the reverse complement: FAM161A is on the minus strand). VCF-style (leftmost placement, unchanged base first): chr2-61839787-CAT-C. GRCh37 (hg19) VCF-style: chr2-62066922-CAT-C.
Other names: c.1215_1216del, p.Cys406fs (NM_032180.3); short protein forms C406fs.
Identifiers: ClinVar variation 4067915 (VCV004067915.2).
Genomic context (GRCh38, chr2:61,839,787, plus strand): 5'-CACCTAACCTTGTGTTTACACTTCAACTTTACAGCCTGTTCAGGACACCTGGGGTTCCTG[CAT>C]CCACAAGCTGACCTACAAGGCAGAGGAGATGAGTTCTGTAAATGCTCCTGGGCTCTCAGC-3'

ClinVar aggregate classification (germline): Likely pathogenic (1 of 4 stars; one submission).

Conditions:
Retinitis pigmentosa 28 (RP28). Identifiers: Orphanet 791, MedGen C1419614, MONDO:0011630, OMIM 606068.

Submission:

Natera, Inc.
Classification: Likely pathogenic for Retinitis pigmentosa type 28. Last evaluated: 2025-02-17. Review status: criteria provided, single submitter. Criteria: Natera Variant Classification Schema (03/2026). Collection method: clinical testing. Allele origin: germline.
Comment: The c.1215_1216del variant in FAM161A is a frameshift variant predicted to shift the reading frame beginning at codon 406 and leads to a stop codon 7 codons downstream. This variant is expected to result in nonsense mediated decay, truncation, or a dysfunctional protein product. This variant is rare in the general population with a frequency below the threshold expected for the associated phenotype(s). Given the available evidence, this variant is classified as Likely Pathogenic.